The following is an entry in ClinVar:

ClinVar aggregate classification (germline): Uncertain significance (1 of 4 stars; one submission).

Allele frequency attached by ClinVar (database versions not stated): gnomAD exomes below 0.00001.
gnomAD v4.1: 4 of 1,614,202 alleles (0.00025%); highest among the groups gnomAD compares: Non-Finnish European, 0.00034%; no homozygotes.

Submission:

Labcorp Genetics (formerly Invitae), Labcorp
Classification: Uncertain significance. Last evaluated: 2023-08-11. Review status: criteria provided, single submitter. Criteria: Invitae Variant Classification Sherloc (09022015). Collection method: clinical testing. Allele origin: germline.
Comment: This variant is present in population databases (no rsID available, gnomAD 0.0009%). This sequence change replaces phenylalanine, which is neutral and non-polar, with leucine, which is neutral and non-polar, at codon 351 of the IRF9 protein (p.Phe351Leu). This variant has not been reported in the literature in individuals affected with IRF9-related conditions. An algorithm developed to predict the effect of missense changes on protein structure and function (PolyPhen-2) suggests that this variant is likely to be disruptive. In summary, the available evidence is currently insufficient to determine the role of this variant in disease. Therefore, it has been classified as a Variant of Uncertain Significance.

NM_006084.5(IRF9):c.1051T>C (p.Phe351Leu)

Gene: IRF9 (interferon regulatory factor 9; plus strand). Cytogenetic location: 14q12.
Variant type: single nucleotide variant.
Coding change: c.1051T>C on transcript NM_006084.5 (MANE Select); coding-DNA position 1051, T replaced by C.
Protein change: p.Phe351Leu; replaces phenylalanine 351 with leucine.
Molecular consequence: missense variant.
Genome position (GRCh38, 1-based): chr14:24,165,906, T>C. VCF-style: chr14-24165906-T-C. GRCh37 (hg19) VCF-style: chr14-24635115-T-C.
Other names: c.1205T>C, p.Phe402Ser (NM_001385400.1); c.1078T>C, p.Phe360Leu (NM_001385401.1); c.788T>C, p.Phe263Ser (NM_001385402.1); short protein forms F351L, F263S, F360L, F402S.
Identifiers: ClinVar variation 2892843 (VCV002892843.3), dbSNP rs1277880212, ClinGen allele CA389215240.